The following is an entry in ClinVar:

ClinVar aggregate classification (germline): Uncertain significance (1 of 4 stars; one submission).

Conditions:
Dilated cardiomyopathy 1G (CMD1G). Identifiers: Orphanet 154, MedGen C1858763, MONDO:0011400, OMIM 604145.
Autosomal recessive limb-girdle muscular dystrophy type 2J (LGMDR10). Also called: Limb-girdle muscular dystrophy, type 2J; MUSCULAR DYSTROPHY, LIMB-GIRDLE, AUTOSOMAL RECESSIVE 10. Identifiers: Orphanet 140922, MedGen C1837342, MONDO:0012127, OMIM 608807.

Submission:

Labcorp Genetics (formerly Invitae), Labcorp
Classification: Uncertain significance for Dilated cardiomyopathy 1G; Autosomal recessive limb-girdle muscular dystrophy type 2J. Last evaluated: 2022-06-29. Review status: criteria provided, single submitter. Criteria: Invitae Variant Classification Sherloc (09022015). Collection method: clinical testing. Allele origin: germline.
Comment: This sequence change replaces alanine, which is neutral and non-polar, with valine, which is neutral and non-polar, at codon 35212 of the TTN protein (p.Ala35212Val). This variant is not present in population databases (gnomAD no frequency). This variant has not been reported in the literature in individuals affected with TTN-related conditions. Experimental studies and prediction algorithms are not available or were not evaluated, and the functional significance of this variant is currently unknown. In summary, the available evidence is currently insufficient to determine the role of this variant in disease. Therefore, it has been classified as a Variant of Uncertain Significance. This variant is located in the M band of TTN (PMID: 25589632). Variants in this region may be relevant for neuromuscular disorders, but have not been definitively shown to cause cardiomyopathy (PMID: 23975875).

Literature cited by the submitters: PubMed 25589632; PubMed 23975875.

NM_001267550.2(TTN):c.105635C>T (p.Ala35212Val)

Genes: TTN (titin; minus strand), TTN-AS1 (TTN antisense RNA 1; plus strand), LOC129935183 (ATAC-STARR-seq lymphoblastoid active region 16808; plus strand). Cytogenetic location: 2q31.2.
Variant type: single nucleotide variant.
Coding change: c.105635C>T on transcript NM_001267550.2 (MANE Select); coding-DNA position 105635, C replaced by T.
Protein change: p.Ala35212Val; replaces alanine 35212 with valine.
Molecular consequence: missense variant.
Genome position (GRCh38, 1-based): chr2:178,530,980, G>A on the plus strand (C>T on the coding strand, the complement: TTN is on the minus strand). VCF-style: chr2-178530980-G-A. GRCh37 (hg19) VCF-style: chr2-179395707-G-A.
Other names: c.100712C>T, p.Ala33571Val (NM_001256850.1); c.78440C>T, p.Ala26147Val (NM_003319.4); c.97931C>T, p.Ala32644Val (NM_133378.4); c.78815C>T, p.Ala26272Val (NM_133432.3); c.79016C>T, p.Ala26339Val (NM_133437.4); short protein forms A33571V, A26339V, A26147V, A32644V, A26272V, A35212V.
Identifiers: ClinVar variation 2012119 (VCV002012119.4), dbSNP rs2468391582, ClinGen allele CA349408275.